The following is an entry in ClinVar:

ClinVar aggregate classification (germline): Uncertain significance. Review status: criteria provided, multiple submitters, no conflicts (2 of 4 stars). 3 submissions from 3 submitters: Uncertain significance (3). Last evaluated 2025-07-02.

Conditions:
TRIM32-related disorder. Also called: TRIM32-related condition.
Inborn genetic diseases. Identifiers: MedGen C0950123, MeSH D030342.

Allele frequency attached by ClinVar (database versions not stated): gnomAD 0.00002; ESP Exome Variant Server 0.00008.
gnomAD v4.1: 13 of 1,614,042 alleles (0.00081%); highest among the groups gnomAD compares: South Asian, 0.0033%; no homozygotes.

Submissions (3):

Ambry Genetics
Classification: Uncertain significance for Inborn genetic diseases. Last evaluated: 2025-07-02. Review status: criteria provided, single submitter. Criteria: Ambry Variant Classification Scheme 2023. Collection method: clinical testing. Allele origin: germline.

PreventionGenetics, part of Exact Sciences
Classification: Uncertain significance for TRIM32-related condition. Last evaluated: 2025-04-23. Review status: criteria provided, single submitter. Criteria: ACMG Guidelines, 2015. Collection method: clinical testing. Allele origin: germline.
Comment: The TRIM32 c.1199G>A variant is predicted to result in the amino acid substitution p.Arg400His. To our knowledge, this variant has not been reported in the literature. This variant is reported in 0.0098% of alleles in individuals of South Asian descent in gnomAD. At this time, the clinical significance of this variant is uncertain due to the absence of conclusive functional and genetic evidence.

Eurofins Ntd Llc (ga)
Classification: Uncertain significance. Last evaluated: 2015-08-19. Review status: criteria provided, single submitter. Criteria: EGL Classification Definitions 2015. Collection method: clinical testing. Allele origin: germline. Observed: 1 variant allele, 1 heterozygote.

NM_012210.4(TRIM32):c.1199G>A (p.Arg400His)

Genes: ASTN2 (astrotactin 2; minus strand), TRIM32 (tripartite motif containing 32; plus strand). Cytogenetic location: 9q33.1.
Variant type: single nucleotide variant.
Coding change: c.1199G>A on transcript NM_012210.4 (MANE Select); coding-DNA position 1199, G replaced by A.
Protein change: p.Arg400His; replaces arginine 400 with histidine.
Molecular consequence: missense variant. On other transcripts: intron variant (3).
Genome position (GRCh38, 1-based): chr9:116,698,941, G>A. VCF-style: chr9-116698941-G-A. GRCh37 (hg19) VCF-style: chr9-119461220-G-A.
Other names: c.1199G>A, p.Arg400His (NM_001099679.2, NM_001379048.1, NM_001379049.1 and 1 more transcripts); c.2653+26830C>T (NM_014010.5); c.2794+26830C>T (NM_001365069.1); c.2806+26830C>T (NM_001365068.1); short protein forms R400H.
Identifiers: ClinVar variation 282622 (VCV000282622.7), dbSNP rs373015960, ClinGen allele CA5211118.
Genomic context (GRCh38, chr9:116,698,941, plus strand): 5'-CCAGTCAAGGTGAAGTACTAGTCGCTGACCGTGGTAACTATCGTATACAAGTCTTTACCC[G>A]CAAAGGCTTTTTGAAGGAAATCCGCCGCAGCCCCAGTGGCATTGATAGCTTTGTGCTAAG-3'
Protein context (NP_036342.2, residues 390-410): RGNYRIQVFT[Arg400His]KGFLKEIRRS